The following is an entry in ClinVar:

ClinVar aggregate classification (germline): Likely pathogenic (1 of 4 stars; one submission).

Conditions:
Brachyolmia-amelogenesis imperfecta syndrome. Also called: PLATYSPONDYLY WITH AMELOGENESIS IMPERFECTA; Tooth agenesis, selective, 6; Dental anomalies and short stature. Identifiers: Orphanet 2899, MedGen C1832594, MONDO:0011018, OMIM 601216. Disease mechanism: loss of function.

Submission:

Juno Genomics, Hangzhou Juno Genomics, Inc
Classification: Likely pathogenic for Brachyolmia-amelogenesis imperfecta syndrome. Review status: criteria provided, single submitter. Criteria: ACMG Guidelines, 2015. Collection method: clinical testing. Allele origin: germline. Affected: yes.
Comment: Absent from controls (or at extremely low frequency if recessive) in Genome Aggregation Database, Exome Sequencing Project, 1000 Genomes Project, or Exome Aggregation Consortium.;Null variant in a gene where loss of function (LOF) is a known mechanism of disease.

NM_001130144.3(LTBP3):c.2238del (p.Asn746fs)

Genes: LTBP3 (latent transforming growth factor beta binding protein 3; minus strand), LOC130006029 (ATAC-STARR-seq lymphoblastoid silent region 3532; plus strand). Cytogenetic location: 11q13.1.
Variant type: Deletion.
Coding change: c.2238del on transcript NM_001130144.3 (MANE Select); coding-DNA position 2238, one base deleted (C; older notation c.2238delC).
Protein change: p.Asn746fs; shifts the reading frame from asparagine 746.
Molecular consequence: frameshift variant.
Genome position (GRCh38, 1-based): chr11:65,546,557, G deleted on the plus strand (C on the coding strand, the reverse complement: LTBP3 is on the minus strand). VCF-style (leftmost placement, unchanged base first): chr11-65546556-CG-C. GRCh37 (hg19) VCF-style: chr11-65314027-CG-C.
Other names: c.1887del, p.Asn629fs (NM_001164266.1); c.2238del, p.Asn746fs (NM_021070.4); short protein forms N629fs, N746fs.
Identifiers: ClinVar variation 4531216 (VCV004531216.1).
Genomic context (GRCh38, chr11:65,546,556, plus strand): 5'-GGAAGGAGCCCGGGAGGTTCTCGCACCAGCCAGGCGAGCAGGGGCTGCCCTCGGCGCACT[CG>C]TTCACGTCTGCGGCGGAAAGACCTAGCCTCGGACTCTGCCCCACCGGAAGGCGGACCGCG-3'